The following is an entry in ClinVar:

NM_001292063.2(OTOG):c.959G>A (p.Arg320His)

Gene: OTOG (otogelin; plus strand). Cytogenetic location: 11p15.1.
Variant type: single nucleotide variant.
Coding change: c.959G>A on transcript NM_001292063.2 (MANE Select); coding-DNA position 959, G replaced by A.
Protein change: p.Arg320His; replaces arginine 320 with histidine.
Molecular consequence: missense variant.
Genome position (GRCh38, 1-based): chr11:17,558,278, G>A. VCF-style: chr11-17558278-G-A. GRCh37 (hg19) VCF-style: chr11-17579825-G-A.
Other names: c.995G>A, p.Arg332His (NM_001277269.2); c.995G>A (NM_001277269.1); short protein forms R332H, R320H.
Identifiers: ClinVar variation 2888190 (VCV002888190.4), dbSNP rs545001868, ClinGen allele CA218495061.

ClinVar aggregate classification (germline): Uncertain significance. Review status: criteria provided, multiple submitters, no conflicts (2 of 4 stars). 2 submissions from 2 submitters: Uncertain significance (2). Last evaluated 2025-07-18.

Allele frequency attached by ClinVar (database versions not stated): gnomAD 0.00003; TOPMed 0.00003; gnomAD exomes 0.00005; 1000 Genomes Project 30x 0.00047; 1000 Genomes Project 0.00060.
gnomAD v4.1: 68 of 1,550,718 alleles (0.0044%); highest among the groups gnomAD compares: East Asian, 0.017%; no homozygotes.

Submissions (2):

GeneDx
Classification: Uncertain significance. Last evaluated: 2025-07-18. Review status: criteria provided, single submitter. Criteria: GeneDx Variant Classification Process June 2021. Collection method: clinical testing. Allele origin: germline. Affected: yes.
Comment: Not observed at significant frequency in large population cohorts (gnomAD); In silico analysis suggests that this missense variant does not alter protein structure/function; Has not been previously published as pathogenic or benign to our knowledge

Labcorp Genetics (formerly Invitae), Labcorp
Classification: Uncertain significance. Last evaluated: 2023-11-09. Review status: criteria provided, single submitter. Criteria: Invitae Variant Classification Sherloc (09022015). Collection method: clinical testing. Allele origin: germline.
Comment: This sequence change replaces arginine, which is basic and polar, with histidine, which is basic and polar, at codon 332 of the OTOG protein (p.Arg332His). This variant is present in population databases (rs545001868, gnomAD 0.006%). This missense change has been observed in individual(s) with bilateral sensorineural hearing loss (Invitae). An algorithm developed to predict the effect of missense changes on protein structure and function (PolyPhen-2) suggests that this variant is likely to be disruptive. In summary, the available evidence is currently insufficient to determine the role of this variant in disease. Therefore, it has been classified as a Variant of Uncertain Significance.